The following is an entry in ClinVar:

ClinVar aggregate classification (germline): Likely benign (1 of 4 stars; one submission).

Allele frequency attached by ClinVar (database versions not stated): gnomAD exomes 0.00045; gnomAD 0.00405; TOPMed 0.00431; 1000 Genomes Project 0.00479; 1000 Genomes Project 30x 0.00484.
gnomAD v4.1: 925 of 817,602 alleles (0.11%); highest among the groups gnomAD compares: African/African-American, 1.4%; 10 homozygotes.

Submission:

GeneDx
Classification: Likely benign. Last evaluated: 2022-01-15. Review status: criteria provided, single submitter. Criteria: GeneDx Variant Classification Process June 2021. Collection method: clinical testing. Allele origin: germline. Affected: yes.
Comment: See Variant Classification Assertion Criteria.

NM_000237.3(LPL):c.775+138A>G

Gene: LPL (lipoprotein lipase; plus strand). Cytogenetic location: 8p21.3.
Variant type: single nucleotide variant.
Coding change: c.775+138A>G on transcript NM_000237.3 (MANE Select); 138 bases into the intron after coding-DNA position 775, A replaced by G.
Molecular consequence: intron variant.
Genome position (GRCh38, 1-based): chr8:19,954,491, A>G. VCF-style: chr8-19954491-A-G. GRCh37 (hg19) VCF-style: chr8-19812002-A-G.
Identifiers: ClinVar variation 1706932 (VCV001706932.2), dbSNP rs111255464, ClinGen allele CA173377705.